The following is an entry in ClinVar:

NM_181552.4(CUX1):c.1455G>A (p.Gln485=)

Gene: CUX1 (cut like homeobox 1; plus strand). Cytogenetic location: 7q22.1.
Variant type: single nucleotide variant.
Coding change: c.1455G>A on transcript NM_181552.4 (MANE Select); coding-DNA position 1455, G replaced by A.
Protein change: p.Gln485=; no amino-acid change (glutamine 485 retained).
Molecular consequence: synonymous variant. On other transcripts: intron variant (5).
Genome position (GRCh38, 1-based): chr7:102,196,866, G>A. VCF-style: chr7-102196866-G-A. GRCh37 (hg19) VCF-style: chr7-101840146-G-A.
Other names: c.1488G>A, p.Gln496= (NM_001202543.2); c.1255+1263G>A (NM_001913.5); c.1249+1263G>A (NM_181500.4); c.1117+1263G>A (NM_001202545.3); c.1207+1263G>A (NM_001202544.3); c.1138+1263G>A (NM_001202546.3).
Identifiers: ClinVar variation 3048806 (VCV003048806.3), dbSNP rs138249494, ClinGen allele CA4410853.

ClinVar aggregate classification (germline): Likely benign. Review status: criteria provided, single submitter (1 of 4 stars). 2 submissions from 2 submitters: Likely benign (1). 1 of the submissions does not count toward it. Last evaluated 2024-08-31.

Conditions:
CUX1-related disorder. Also called: CUX1-related condition.

Allele frequency attached by ClinVar (database versions not stated): ExAC 0.00002; gnomAD exomes 0.00002; TOPMed 0.00002; gnomAD 0.00003; ESP Exome Variant Server 0.00015.
gnomAD v4.1: 41 of 1,614,072 alleles (0.0025%); highest among the groups gnomAD compares: Non-Finnish European, 0.0031%; no homozygotes.

Submissions (2):

Blueprint Genetics
Classification: Likely benign. Last evaluated: 2024-08-31. Review status: criteria provided, single submitter. Criteria: ACMG Guidelines, 2015. Collection method: clinical testing. Allele origin: germline.

PreventionGenetics, part of Exact Sciences
Classification: Likely benign for CUX1-related condition. Last evaluated: 2021-04-19. Review status: no assertion criteria provided. Collection method: clinical testing. Allele origin: germline. Not counted in ClinVar's aggregate classification.
Comment: This variant is classified as likely benign based on ACMG/AMP sequence variant interpretation guidelines (Richards et al. 2015 PMID: 25741868, with internal and published modifications).